The following is an entry in ClinVar:

NM_012418.4(FSCN2):c.480G>C (p.Glu160Asp)

Gene: FSCN2 (fascin actin-bundling protein 2, retinal; plus strand). Cytogenetic location: 17q25.3.
Variant type: single nucleotide variant.
Coding change: c.480G>C on transcript NM_012418.4 (MANE Select); coding-DNA position 480, G replaced by C.
Protein change: p.Glu160Asp; replaces glutamic acid 160 with aspartic acid.
Molecular consequence: missense variant.
Genome position (GRCh38, 1-based): chr17:81,529,011, G>C. VCF-style: chr17-81529011-G-C. GRCh37 (hg19) VCF-style: chr17-79496037-G-C.
Other names: c.480G>C, p.Glu160Asp (NM_001077182.3); short protein forms E160D.
Identifiers: ClinVar variation 852058 (VCV000852058.9), dbSNP rs782686169, ClinGen allele CA8836694.
Genomic context (GRCh38, chr17:81,529,011, plus strand): 5'-GGCCCACCTGCTGAGCGTGAGCCGGCGGCGCTACGTGCACCTGTGCCCGCGGGAGGACGA[G>C]ATGGCCGCAGACGGAGACAAGCCCTGGGGCGTGGACGCCCTCCTCACCCTCATCTTCCGG-3'
Protein context (NP_036550.1, residues 150-170): RYVHLCPRED[Glu160Asp]MAADGDKPWG

ClinVar aggregate classification (germline): Uncertain significance (1 of 4 stars; one submission).

Allele frequency attached by ClinVar (database versions not stated): TOPMed 0.00001; ExAC 0.00002; gnomAD exomes 0.00003.
gnomAD v4.1: 10 of 1,585,056 alleles (0.00063%); highest among the groups gnomAD compares: Non-Finnish European, 0.00017%; no homozygotes.

Submission:

Labcorp Genetics (formerly Invitae), Labcorp
Classification: Uncertain significance. Last evaluated: 2026-01-26. Review status: criteria provided, single submitter. Criteria: Invitae Variant Classification Sherloc (09022015). Collection method: clinical testing. Allele origin: germline.
Comment: This sequence change replaces glutamic acid, which is acidic and polar, with aspartic acid, which is acidic and polar, at codon 160 of the FSCN2 protein (p.Glu160Asp). This variant is present in population databases (rs782686169, gnomAD 0.006%). This variant has not been reported in the literature in individuals affected with FSCN2-related conditions. ClinVar contains an entry for this variant (Variation ID: 852058). An algorithm developed to predict the effect of missense changes on protein structure and function (PolyPhen-2) suggests that this variant is likely to be disruptive. In summary, the available evidence is currently insufficient to determine the role of this variant in disease. Therefore, it has been classified as a Variant of Uncertain Significance.